The following is an entry in ClinVar:

ClinVar aggregate classification (germline): Uncertain significance (1 of 4 stars; one submission).

Conditions:
AMELX-related disorder. Also called: AMELX-related condition.

Submission:

PreventionGenetics, part of Exact Sciences
Classification: Uncertain significance for AMELX-related condition. Last evaluated: 2025-03-24. Review status: criteria provided, single submitter. Criteria: ACMG Guidelines, 2015. Collection method: clinical testing. Allele origin: germline.
Comment: The AMELX c.10T>C variant is predicted to result in the amino acid substitution p.Trp4Arg. To our knowledge, this variant has not been reported in the literature or in a large population database (gnomAD), indicating this variant is rare. An alternative nucleotide change affecting the same amino acid (c.11G>C, p.Trp4Ser) has been reported in two female individuals from the same family, both affected with hypoplastic amelogenesis imperfecta (Family 2 in Kim et al. 2004. PubMed ID: 15111628). Although we suspect that this variant may be pathogenic, at this time, the clinical significance of this variant is uncertain due to the absence of conclusive functional and genetic evidence.

NM_001142.2(AMELX):c.10T>C (p.Trp4Arg)

Genes: AMELX (amelogenin X-linked; plus strand), ARHGAP6 (Rho GTPase activating protein 6; minus strand). Cytogenetic location: Xp22.2.
Variant type: single nucleotide variant.
Coding change: c.10T>C on transcript NM_001142.2 (MANE Select); coding-DNA position 10, T replaced by C.
Protein change: p.Trp4Arg; replaces tryptophan 4 with arginine.
Molecular consequence: missense variant. On other transcripts: intron variant (3).
Genome position (GRCh38, 1-based): chrX:11,294,798, T>C. VCF-style: chrX-11294798-T-C. GRCh37 (hg19) VCF-style: chrX-11312918-T-C.
Other names: c.10T>C, p.Trp4Arg (NM_182680.1, NM_182681.1); c.589-40091A>G (NM_013427.3, NM_006125.3); c.49-40091A>G (NM_001287242.2); short protein forms W4R.
Identifiers: ClinVar variation 4982760 (VCV004982760.1).